The following is an entry in ClinVar:

NM_001364905.1(LRBA):c.643G>A (p.Ala215Thr)

Gene: LRBA (LPS responsive beige-like anchor protein; minus strand). Cytogenetic location: 4q31.3.
Variant type: single nucleotide variant.
Coding change: c.643G>A on transcript NM_001364905.1 (MANE Select); coding-DNA position 643, G replaced by A.
Protein change: p.Ala215Thr; replaces alanine 215 with threonine.
Molecular consequence: missense variant.
Genome position (GRCh38, 1-based): chr4:150,921,200, C>T on the plus strand (G>A on the coding strand, the complement: LRBA is on the minus strand). VCF-style: chr4-150921200-C-T. GRCh37 (hg19) VCF-style: chr4-151842352-C-T.
Other names: c.643G>A, p.Ala215Thr (NM_001199282.3, NM_001367550.1, NM_006726.5); short protein forms A215T.
Identifiers: ClinVar variation 3623263 (VCV003623263.1).

ClinVar aggregate classification (germline): Uncertain significance (1 of 4 stars; one submission).

Conditions:
Combined immunodeficiency due to LRBA deficiency. Also called: Common variable immunodeficiency 8, with autoimmunity. Identifiers: Orphanet 445018, MedGen C3553512, MONDO:0013863, OMIM 614700.

gnomAD v4.1: 5 of 1,596,194 alleles (0.00031%); highest among the groups gnomAD compares: Admixed American, 0.0083%; no homozygotes.

Submission:

Labcorp Genetics (formerly Invitae), Labcorp
Classification: Uncertain significance for Combined immunodeficiency due to LRBA deficiency. Last evaluated: 2024-03-18. Review status: criteria provided, single submitter. Criteria: Invitae Variant Classification Sherloc (09022015). Collection method: clinical testing. Allele origin: germline.
Comment: This sequence change replaces alanine, which is neutral and non-polar, with threonine, which is neutral and polar, at codon 215 of the LRBA protein (p.Ala215Thr). This variant is present in population databases (rs756874800, gnomAD 0.009%). This variant has not been reported in the literature in individuals affected with LRBA-related conditions. An algorithm developed to predict the effect of missense changes on protein structure and function (PolyPhen-2) suggests that this variant is likely to be disruptive. In summary, the available evidence is currently insufficient to determine the role of this variant in disease. Therefore, it has been classified as a Variant of Uncertain Significance.